The following is an entry in ClinVar:

NM_014822.4(SEC24D):c.1292G>A (p.Cys431Tyr)

Gene: SEC24D (SEC24 homolog D, COPII component; minus strand). Cytogenetic location: 4q26.
Variant type: single nucleotide variant.
Coding change: c.1292G>A on transcript NM_014822.4 (MANE Select); coding-DNA position 1292, G replaced by A.
Protein change: p.Cys431Tyr; replaces cysteine 431 with tyrosine.
Molecular consequence: missense variant.
Genome position (GRCh38, 1-based): chr4:118,764,806, C>T on the plus strand (G>A on the coding strand, the complement: SEC24D is on the minus strand). VCF-style: chr4-118764806-C-T. GRCh37 (hg19) VCF-style: chr4-119685961-C-T.
Other names: c.1295G>A, p.Cys432Tyr (NM_001318066.2); short protein forms C432Y, C431Y.
Identifiers: ClinVar variation 2716767 (VCV002716767.3), dbSNP rs2530128401, ClinGen allele CA358012097.

ClinVar aggregate classification (germline): Uncertain significance (1 of 4 stars; one submission).

Submission:

Labcorp Genetics (formerly Invitae), Labcorp
Classification: Uncertain significance. Last evaluated: 2023-08-21. Review status: criteria provided, single submitter. Criteria: Invitae Variant Classification Sherloc (09022015). Collection method: clinical testing. Allele origin: germline.
Comment: This variant is not present in population databases (gnomAD no frequency). In summary, the available evidence is currently insufficient to determine the role of this variant in disease. Therefore, it has been classified as a Variant of Uncertain Significance. An algorithm developed to predict the effect of missense changes on protein structure and function (PolyPhen-2) suggests that this variant is likely to be disruptive. This variant has not been reported in the literature in individuals affected with SEC24D-related conditions. This sequence change replaces cysteine, which is neutral and slightly polar, with tyrosine, which is neutral and polar, at codon 431 of the SEC24D protein (p.Cys431Tyr).